The following is an entry in ClinVar:

NM_004006.3(DMD):c.5843C>T (p.Thr1948Ile)

Gene: DMD (dystrophin; minus strand). Cytogenetic location: Xp21.1.
Variant type: single nucleotide variant.
Coding change: c.5843C>T on transcript NM_004006.3 (MANE Select); coding-DNA position 5843, C replaced by T.
Protein change: p.Thr1948Ile; replaces threonine 1948 with isoleucine.
Molecular consequence: missense variant.
Genome position (GRCh38, 1-based): chrX:32,342,179, G>A on the plus strand (C>T on the coding strand, the complement: DMD is on the minus strand). VCF-style: chrX-32342179-G-A. GRCh37 (hg19) VCF-style: chrX-32360296-G-A.
Other names: c.5819C>T, p.Thr1940Ile (NM_000109.4); c.5831C>T, p.Thr1944Ile (NM_004009.3); c.5474C>T, p.Thr1825Ile (NM_004010.3); c.1820C>T, p.Thr607Ile (NM_004011.4); c.1811C>T, p.Thr604Ile (NM_004012.4); short protein forms T1940I, T1944I, T1948I, T1825I, T604I, T607I.
Identifiers: ClinVar variation 2168300 (VCV002168300.2), dbSNP rs748960678, ClinGen allele CA412664977.

ClinVar aggregate classification (germline): Uncertain significance (1 of 4 stars; one submission).

Conditions:
Duchenne muscular dystrophy (DMD). Also called: MUSCULAR DYSTROPHY, PSEUDOHYPERTROPHIC PROGRESSIVE, DUCHENNE TYPE; Duchenne Muscular Dystrophy (DMD). Identifiers: Orphanet 98896, MedGen C0013264, MONDO:0010679, OMIM 310200.

Allele frequency attached by ClinVar (database versions not stated): TOPMed below 0.00001.
gnomAD v4.1: 2 of 1,210,852 alleles (0.00017%); highest among the groups gnomAD compares: Non-Finnish European, 0.00022%; no homozygotes.

Submission:

Labcorp Genetics (formerly Invitae), Labcorp
Classification: Uncertain significance for Duchenne muscular dystrophy. Last evaluated: 2023-11-27. Review status: criteria provided, single submitter. Criteria: Invitae Variant Classification Sherloc (09022015). Collection method: clinical testing. Allele origin: germline.
Comment: This sequence change replaces threonine, which is neutral and polar, with isoleucine, which is neutral and non-polar, at codon 1948 of the DMD protein (p.Thr1948Ile). This variant is not present in population databases (gnomAD no frequency). This missense change has been observed in individual(s) with clinical features of Duchenne or Becker muscular dystrophy and/or a positive family history (PMID: 33644936). ClinVar contains an entry for this variant (Variation ID: 2168300). Advanced modeling of protein sequence and biophysical properties (such as structural, functional, and spatial information, amino acid conservation, physicochemical variation, residue mobility, and thermodynamic stability) performed at Invitae indicates that this missense variant is not expected to disrupt DMD protein function with a negative predictive value of 95%. In summary, the available evidence is currently insufficient to determine the role of this variant in disease. Therefore, it has been classified as a Variant of Uncertain Significance.

Literature cited by the submitters: PubMed 33644936.